The following is an entry in ClinVar:

NM_001365276.2(TNXB):c.4296dup (p.Gly1433fs)

Gene: TNXB (tenascin XB; minus strand). Cytogenetic location: 6p21.33.
Variant type: Duplication.
Coding change: c.4296dup on transcript NM_001365276.2 (MANE Select); coding-DNA position 4296, one base duplicated (C; older notation c.4296dupC).
Protein change: p.Gly1433fs; shifts the reading frame from glycine 1433.
Molecular consequence: frameshift variant.
Genome position (GRCh38, 1-based): chr6:32,079,112, G duplicated on the plus strand (C on the coding strand, the reverse complement: TNXB is on the minus strand); the first of 3 consecutive G bases (chr6:32,079,112-32,079,114); duplicating any one gives the same sequence. VCF-style (leftmost placement, unchanged base first): chr6-32079111-C-CG. GRCh37 (hg19) VCF-style: chr6-32046888-C-CG.
Other names: c.5037dup, p.Gly1680fs (NM_001428335.1); c.4296dup, p.Gly1433fs (NM_019105.8); short protein forms G1433fs, G1680fs.
Identifiers: ClinVar variation 4081807 (VCV004081807.1).

ClinVar aggregate classification (germline): Pathogenic (1 of 4 stars; one submission).

Conditions:
Ehlers-Danlos syndrome due to tenascin-X deficiency (EDSCLL1). Also called: TNXB-Related Classical-Like Ehlers-Danlos Syndrome; Ehlers-Danlos syndrome, classic-like, 1; EHLERS-DANLOS SYNDROME, CLASSIC-LIKE; EDS DUE TO TNX DEFICIENCY; TNX DEFICIENCY. Identifiers: Orphanet 230839, MedGen C1848029, MONDO:0011670, OMIM 606408.

Submission:

Myriad Genetics, Inc.
Classification: Pathogenic for Ehlers-Danlos syndrome due to tenascin-X deficiency. Last evaluated: 2025-06-24. Review status: criteria provided, single submitter. Criteria: Myriad Autosomal Dominant, Autosomal Recessive and X-Linked Classification Criteria (2023). Collection method: clinical testing. Allele origin: unknown.
Comment: NM_019105.6(TNXB):c.4296dupC(G1433Rfs*38) is a frameshift variant classified as pathogenic in the context of classical-like Ehlers-Danlos syndrome, TNXB-related. G1433Rfs*38 has not been observed in cases with relevant disease. Relevant functional assessments of this variant are not available in the literature. G1433Rfs*38 has not been observed in referenced population frequency databases. In summary, NM_019105.6(TNXB):c.4296dupC(G1433Rfs*38) is a frameshift variant in a gene where loss of function is a known mechanism of disease and is predicted to disrupt protein function. Please note: this variant was assessed in the context of healthy population screening.